The following is an entry in ClinVar:

ClinVar aggregate classification (germline): Uncertain significance (1 of 4 stars; one submission).

Allele frequency attached by ClinVar (database versions not stated): gnomAD exomes below 0.00001; gnomAD 0.00002; TOPMed 0.00002.
gnomAD v4.1: 8 of 1,613,178 alleles (0.0005%); highest among the groups gnomAD compares: East Asian, 0.0022%; no homozygotes.

Submission:

GeneDx
Classification: Uncertain significance. Last evaluated: 2019-09-13. Review status: criteria provided, single submitter. Criteria: GeneDx Variant Classification Process June 2021. Collection method: clinical testing. Allele origin: germline. Affected: yes.
Comment: Not observed in large population cohorts (Lek et al., 2016); In silico analysis, which includes protein predictors and evolutionary conservation, supports a deleterious effect; Has not been previously published as pathogenic or benign to our knowledge

NM_205850.3(SLC24A5):c.1103C>T (p.Thr368Ile)

Genes: MYEF2 (myelin expression factor 2; minus strand), SLC24A5 (solute carrier family 24 member 5; plus strand). Cytogenetic location: 15q21.1.
Variant type: single nucleotide variant.
Coding change: c.1103C>T on transcript NM_205850.3 (MANE Select); coding-DNA position 1103, C replaced by T.
Protein change: p.Thr368Ile; replaces threonine 368 with isoleucine.
Molecular consequence: missense variant. On other transcripts: 3 prime UTR variant (2).
Genome position (GRCh38, 1-based): chr15:48,141,137, C>T. VCF-style: chr15-48141137-C-T. GRCh37 (hg19) VCF-style: chr15-48433334-C-T.
Other names: c.*1771G>A (NM_001301210.2, NM_016132.5); short protein forms T368I.
Identifiers: ClinVar variation 1312028 (VCV001312028.2), dbSNP rs1023191645, ClinGen allele CA269994037.